The following is an entry in ClinVar:

NM_000112.4(SLC26A2):c.2074G>A (p.Asp692Asn)

Gene: SLC26A2 (solute carrier family 26 member 2; plus strand). Cytogenetic location: 5q32.
Variant type: single nucleotide variant.
Coding change: c.2074G>A on transcript NM_000112.4 (MANE Select); coding-DNA position 2074, G replaced by A.
Protein change: p.Asp692Asn; replaces aspartic acid 692 with asparagine.
Molecular consequence: missense variant.
Genome position (GRCh38, 1-based): chr5:149,981,667, G>A. VCF-style: chr5-149981667-G-A. GRCh37 (hg19) VCF-style: chr5-149361230-G-A.
Other names: short protein forms D692N.
Identifiers: ClinVar variation 5003801 (VCV005003801.1).
Genomic context (GRCh38, chr5:149,981,667, plus strand): 5'-AGAGATTATGAAGCCATTGGAATCCAGGTTCTGCTGGCTCAGTGCAATCCCACTGTGAGG[G>A]ATTCCCTAACCAACGGAGAATATTGCAAAAAGGAAGAAGAAAACCTTCTCTTCTATAGTG-3'
Protein context (NP_000103.2, residues 682-702): LLAQCNPTVR[Asp692Asn]SLTNGEYCKK

ClinVar aggregate classification (germline): Uncertain significance (1 of 4 stars; one submission).

Conditions:
SLC26A2-related skeletal dysplasia. Identifiers: MedGen CN379209, MONDO:0100592.

Submission:

Myriad Genetics, Inc.
Classification: Uncertain significance for SLC26A2-related skeletal dysplasia. Last evaluated: 2026-01-12. Review status: criteria provided, single submitter. Criteria: Myriad Autosomal Dominant, Autosomal Recessive and X-Linked Classification Criteria (2023). Collection method: clinical testing. Allele origin: unknown.
Comment: NM_000112.3(SLC26A2):c.2074G>A(D692N) is a missense variant classified as a variant of uncertain significance in the context of SLC26A2-related disorders. D692N has not been observed in cases with relevant disease. Relevant functional assessments of this variant are not available in the literature. D692N has not been observed in referenced population frequency databases. In summary, there is insufficient evidence to classify NM_000112.3(SLC26A2):c.2074G>A(D692N) as pathogenic or benign. Please note: this variant was assessed in the context of healthy population screening.